The following is an entry in ClinVar:

ClinVar aggregate classification (germline): Uncertain significance. Review status: criteria provided, multiple submitters, no conflicts (2 of 4 stars). 2 submissions from 2 submitters: Uncertain significance (2). Last evaluated 2023-09-18.

Conditions:
de Barsy syndrome. Also called: Cutis laxa-corneal clouding-oligophrenia syndrome. Identifiers: Orphanet 2962, MedGen C0268354, MONDO:0017569.
Cutis laxa, autosomal dominant 3 (ADCL3). Identifiers: Orphanet 90348, MedGen C4225268, MONDO:0014706, OMIM 616603.
Autosomal dominant spastic paraplegia type 9. Identifiers: MedGen C1832669, MONDO:0015091.

Submissions (2):

Labcorp Genetics (formerly Invitae), Labcorp
Classification: Uncertain significance for Autosomal dominant spastic paraplegia type 9; de Barsy syndrome; Cutis laxa, autosomal dominant 3. Last evaluated: 2023-09-18. Review status: criteria provided, single submitter. Criteria: Invitae Variant Classification Sherloc (09022015). Collection method: clinical testing. Allele origin: germline.
Comment: In summary, the available evidence is currently insufficient to determine the role of this variant in disease. Therefore, it has been classified as a Variant of Uncertain Significance. Advanced modeling of protein sequence and biophysical properties (such as structural, functional, and spatial information, amino acid conservation, physicochemical variation, residue mobility, and thermodynamic stability) has been performed at Invitae for this missense variant, however the output from this modeling did not meet the statistical confidence thresholds required to predict the impact of this variant on ALDH18A1 protein function. ClinVar contains an entry for this variant (Variation ID: 426367). This variant has not been reported in the literature in individuals affected with ALDH18A1-related conditions. This variant is not present in population databases (gnomAD no frequency). This sequence change replaces glycine, which is neutral and non-polar, with serine, which is neutral and polar, at codon 89 of the ALDH18A1 protein (p.Gly89Ser).

GeneDx
Classification: Uncertain significance. Last evaluated: 2017-04-19. Review status: criteria provided, single submitter. Criteria: GeneDx Variant Classification (06012015). Collection method: clinical testing. Allele origin: germline. Affected: yes.
Comment: The G89S variant in the ALDH18A1 gene has not been reported previously as a pathogenic variant, nor as a benign variant, to our knowledge. The G89S variant is not observed in large population cohorts (Lek et al., 2016; 1000 Genomes Consortium et al., 2015; Exome Variant Server). The G89S variant is a non-conservative amino acid substitution, which is likely to impact secondary protein structure as these residues differ in polarity, charge, size and/or other properties. This substitution occurs at a position that is conserved across species. In silico analysis predicts this variant is probably damaging to the protein structure/function. We interpret G89S as a variant of uncertain significance.

NM_002860.4(ALDH18A1):c.265G>A (p.Gly89Ser)

Gene: ALDH18A1 (aldehyde dehydrogenase 18 family member A1; minus strand). Cytogenetic location: 10q24.1.
Variant type: single nucleotide variant.
Coding change: c.265G>A on transcript NM_002860.4 (MANE Select); coding-DNA position 265, G replaced by A.
Protein change: p.Gly89Ser; replaces glycine 89 with serine.
Molecular consequence: missense variant. On other transcripts: intron variant (4).
Genome position (GRCh38, 1-based): chr10:95,643,030, C>T on the plus strand (G>A on the coding strand, the complement: ALDH18A1 is on the minus strand). VCF-style: chr10-95643030-C-T. GRCh37 (hg19) VCF-style: chr10-97402787-C-T.
Other names: c.265G>A, p.Gly89Ser (NM_001017423.2, NM_001323413.2, NM_001323414.2 and 2 more transcripts); c.-78-9381G>A (NM_001323419.2); c.-30-5594G>A (NM_001323412.2, NM_001323418.2, NM_001323416.2); short protein forms G89S.
Identifiers: ClinVar variation 426367 (VCV000426367.5), dbSNP rs1085307589, ClinGen allele CA377707658.